The following is an entry in ClinVar:

ClinVar aggregate classification (germline): Uncertain significance (1 of 4 stars; one submission).

Submission:

GeneDx
Classification: Uncertain significance. Last evaluated: 2023-05-14. Review status: criteria provided, single submitter. Criteria: GeneDx Variant Classification Process June 2021. Collection method: clinical testing. Allele origin: germline. Affected: yes.
Comment: Not observed at significant frequency in large population cohorts (gnomAD); In silico analysis supports that this missense variant does not alter protein structure/function; Has not been previously published as pathogenic or benign to our knowledge

NM_013245.3(VPS4A):c.1261G>C (p.Asp421His)

Gene: VPS4A (vacuolar protein sorting 4 homolog A; plus strand). Cytogenetic location: 16q22.1.
Variant type: single nucleotide variant.
Coding change: c.1261G>C on transcript NM_013245.3 (MANE Select); coding-DNA position 1261, G replaced by C.
Protein change: p.Asp421His; replaces aspartic acid 421 with histidine.
Molecular consequence: missense variant.
Genome position (GRCh38, 1-based): chr16:69,324,256, G>C. VCF-style: chr16-69324256-G-C. GRCh37 (hg19) VCF-style: chr16-69358159-G-C.
Other names: short protein forms D421H.
Identifiers: ClinVar variation 2662376 (VCV002662376.1), dbSNP rs2544556108, ClinGen allele CA396475038.